The following is an entry in ClinVar:

ClinVar aggregate classification (germline): Likely pathogenic (1 of 4 stars; one submission).

Conditions:
Primary ciliary dyskinesia 23 (CILD23). Also called: CILIARY DYSKINESIA, PRIMARY, 23, WITH OR WITHOUT SITUS INVERSUS. Identifiers: Orphanet 244, MedGen C3809548, MONDO:0014193, OMIM 615451.

Submission:

3billion
Classification: Likely pathogenic for Primary ciliary dyskinesia 23. Last evaluated: 2025-09-30. Review status: criteria provided, single submitter. Criteria: ACMG Guidelines, 2015. Collection method: clinical testing. Allele origin: germline. Affected: yes.
Comment: The variant is observed at an extremely low frequency in the gnomAD v4.1.0 dataset (total allele frequency: 0.001%). Predicted Consequence/Location: Canonical splice site: predicted to alter splicing and result in a loss or disruption of normal protein function. Multiple pathogenic loss-of-function variants are reported downstream of the variant. In silico tools predict the variant to alter splicing and produce an abnormal transcript [SpliceAI: 0.99 (spliceogenicity >=0.2, non-spliceogenicity <0.1)]. The variant has been reported at least twice as pathogenic with clinical assertions and evidence for the classification (ClinVar ID: VCV000654954). Therefore, this variant is classified as Pathogenic according to the recommendation of ACMG/AMP guideline.

NM_018076.5(ODAD2):c.1143-1G>A

Gene: ODAD2 (outer dynein arm docking complex subunit 2; minus strand). Cytogenetic location: 10p12.1.
Variant type: single nucleotide variant.
Coding change: c.1143-1G>A on transcript NM_018076.5 (MANE Select); the canonical splice acceptor site of the intron before coding-DNA position 1143, G replaced by A.
Molecular consequence: splice acceptor variant. On other transcripts: intron variant (1).
Genome position (GRCh38, 1-based): chr10:27,969,019, C>T on the plus strand (G>A on the coding strand, the complement: ODAD2 is on the minus strand). VCF-style: chr10-27969019-C-T. GRCh37 (hg19) VCF-style: chr10-28257948-C-T.
Other names: c.1143-1G>A (NM_001290020.2); c.219-1G>A (NM_001312689.2); c.-187-7304G>A (NM_001290021.2).
Identifiers: ClinVar variation 4854591 (VCV004854591.1).